The following is an entry in ClinVar:

ClinVar aggregate classification (germline): Uncertain significance (1 of 4 stars; one submission).

gnomAD v4.1: 3 of 1,406,730 alleles (0.00021%); highest among the groups gnomAD compares: South Asian, 0.0015%; no homozygotes.

Submission:

GeneDx
Classification: Uncertain significance. Last evaluated: 2022-12-13. Review status: criteria provided, single submitter. Criteria: GeneDx Variant Classification Process June 2021. Collection method: clinical testing. Allele origin: germline. Affected: yes.
Comment: Not observed at significant frequency in large population cohorts (gnomAD); In silico analysis supports that this missense variant does not alter protein structure/function; Has not been previously published as pathogenic or benign to our knowledge

NM_080473.5(GATA5):c.430G>T (p.Ala144Ser)

Gene: GATA5 (GATA binding protein 5; minus strand). Cytogenetic location: 20q13.33.
Variant type: single nucleotide variant.
Coding change: c.430G>T on transcript NM_080473.5 (MANE Select); coding-DNA position 430, G replaced by T.
Protein change: p.Ala144Ser; replaces alanine 144 with serine.
Molecular consequence: missense variant.
Genome position (GRCh38, 1-based): chr20:62,475,092, C>A on the plus strand (G>T on the coding strand, the complement: GATA5 is on the minus strand). VCF-style: chr20-62475092-C-A. GRCh37 (hg19) VCF-style: chr20-61050148-C-A.
Other names: short protein forms A144S.
Identifiers: ClinVar variation 2505806 (VCV002505806.1), dbSNP rs2516446635, ClinGen allele CA409556386.
Genomic context (GRCh38, chr20:62,475,092, plus strand): 5'-GGACGCTGCCATCGAAGGGCCCGGCAGTCCAGGACTGGGCCACGTCGGGGCTCACGTAGG[C>A]CGGGTAGGTGGCGGAGTACGAGGTCCCCACCGGCCGCCCAAGCGGGGCCGCGAACTGTTC-3'
Protein context (NP_536721.1, residues 134-154): VGTSYSATYP[Ala144Ser]YVSPDVAQSW